The following is an entry in ClinVar:

ClinVar aggregate classification (germline): Likely benign (1 of 4 stars; one submission).

gnomAD v4.1: 110 of 1,612,566 alleles (0.0068%); highest among the groups gnomAD compares: Admixed American, 0.14%; no homozygotes.

Submission:

CeGaT Center for Human Genetics Tuebingen
Classification: Likely benign. Last evaluated: 2026-07-01. Review status: criteria provided, single submitter. Criteria: CeGaT Center For Human Genetics Tuebingen Variant Classification Criteria Version 2. Collection method: clinical testing. Allele origin: germline. Affected: yes. Observed: 1 variant allele.
Comment: SLF2: BP4, BP7

NM_018121.4(SLF2):c.2337G>A (p.Ser779=)

Gene: SLF2 (SMC5/6 complex localization factor 2; plus strand). Cytogenetic location: 10q24.31.
Variant type: single nucleotide variant.
Coding change: c.2337G>A on transcript NM_018121.4 (MANE Select); coding-DNA position 2337, G replaced by A.
Protein change: p.Ser779=; no amino-acid change (serine 779 retained).
Molecular consequence: synonymous variant.
Genome position (GRCh38, 1-based): chr10:100,930,979, G>A. VCF-style: chr10-100930979-G-A. GRCh37 (hg19) VCF-style: chr10-102690736-G-A.
Other names: c.2337G>A, p.Ser779= (NM_001136123.2).
Identifiers: ClinVar variation 5038719 (VCV005038719.1).